The following is an entry in ClinVar:

ClinVar aggregate classification (germline): Uncertain significance (1 of 4 stars; one submission).

Conditions:
Classic or attenuated familial adenomatous polyposis. Identifiers: MedGen CN372698, MONDO:0021057.

Submission:

All of Us Research Program, National Institutes of Health
Classification: Uncertain significance for Classic or attenuated familial adenomatous polyposis. Last evaluated: 2023-03-07. Review status: criteria provided, single submitter. Criteria: ACMG Guidelines, 2015. Collection method: clinical testing. Allele origin: germline. Inheritance: Autosomal dominant inheritance. Observed: 1 variant allele, 1 heterozygote.
Comment: This missense variant replaces lysine with threonine at codon 435 of the APC protein. Computational prediction suggests that this variant may not impact protein structure and function (internally defined REVEL score threshold <= 0.5, PMID: 27666373). To our knowledge, functional studies have not been reported for this variant. This variant has not been reported in individuals affected with APC-related disorders in the literature. This variant has not been identified in the general population by the Genome Aggregation Database (gnomAD). The available evidence is insufficient to determine the role of this variant in disease conclusively. Therefore, this variant is classified as a Variant of Uncertain Significance.

This study involves interpretation of variants in research participants for the purpose of population health screening. Participant phenotype was not available at the time of variant classification. Additional details can be found in publication PMID: 35346344, PMCID: PMC8962531

NM_000038.6(APC):c.1304A>C (p.Lys435Thr)

Gene: APC (APC regulator of WNT signaling pathway; plus strand). Cytogenetic location: 5q22.2.
Variant type: single nucleotide variant.
Coding change: c.1304A>C on transcript NM_000038.6 (MANE Select); coding-DNA position 1304, A replaced by C.
Protein change: p.Lys435Thr; replaces lysine 435 with threonine.
Molecular consequence: missense variant. On other transcripts: non-coding transcript variant (2).
Genome position (GRCh38, 1-based): chr5:112,819,336, A>C. VCF-style: chr5-112819336-A-C. GRCh37 (hg19) VCF-style: chr5-112155033-A-C.
Other names: c.1304A>C, p.Lys435Thr (NM_001127510.3, NM_001354895.2, NM_001354896.2 and 4 more transcripts); c.1250A>C, p.Lys417Thr (NM_001127511.3); c.1334A>C, p.Lys445Thr (NM_001354897.2, NM_001407446.1); c.1229A>C, p.Lys410Thr (NM_001354898.2, NM_001407451.1); c.1220A>C, p.Lys407Thr (NM_001354899.2, NM_001407452.1); c.1127A>C, p.Lys376Thr (NM_001354900.2, NM_001354901.2, NM_001407453.1); c.1031A>C, p.Lys344Thr (NM_001354902.2); c.1001A>C, p.Lys334Thr (NM_001354903.2, NM_001407454.1, NM_001407455.1 and 5 more transcripts); and 5 more; short protein forms K152T, K275T, K306T, K309T, K334T, K344T, K376T, K407T.
Identifiers: ClinVar variation 3069763 (VCV003069763.1), dbSNP rs2149784093, ClinGen allele CA16024160.